The following is an entry in ClinVar:

NM_001267550.2(TTN):c.36281-1G>C

Gene: TTN (titin; minus strand). Cytogenetic location: 2q31.2.
Variant type: single nucleotide variant.
Coding change: c.36281-1G>C on transcript NM_001267550.2 (MANE Select); the canonical splice acceptor site of the intron before coding-DNA position 36281, G replaced by C.
Molecular consequence: splice acceptor variant. On other transcripts: intron variant (5).
Genome position (GRCh38, 1-based): chr2:178,664,099, C>G on the plus strand (G>C on the coding strand, the complement: TTN is on the minus strand). VCF-style: chr2-178664099-C-G. GRCh37 (hg19) VCF-style: chr2-179528826-C-G.
Other names: c.13283-21782G>C (NM_003319.4); c.13859-21782G>C (NM_133437.4); c.13658-21782G>C (NM_133432.3); c.31484-1044G>C (NM_133378.4); c.34265-1044G>C (NM_001256850.1).
Identifiers: ClinVar variation 3763041 (VCV003763041.2).

ClinVar aggregate classification (germline): Likely pathogenic (1 of 4 stars; one submission).

Conditions:
Autosomal recessive limb-girdle muscular dystrophy type 2J (LGMDR10). Also called: Limb-girdle muscular dystrophy, type 2J; MUSCULAR DYSTROPHY, LIMB-GIRDLE, AUTOSOMAL RECESSIVE 10. Identifiers: Orphanet 140922, MedGen C1837342, MONDO:0012127, OMIM 608807.
Dilated cardiomyopathy 1G (CMD1G). Identifiers: Orphanet 154, MedGen C1858763, MONDO:0011400, OMIM 604145.

gnomAD v4.1: 6 of 1,607,266 alleles (0.00037%); highest among the groups gnomAD compares: Non-Finnish European, 0.00051%; no homozygotes.

Submission:

Labcorp Genetics (formerly Invitae), Labcorp
Classification: Likely pathogenic for Dilated cardiomyopathy 1G; Autosomal recessive limb-girdle muscular dystrophy type 2J. Last evaluated: 2024-11-07. Review status: criteria provided, single submitter. Criteria: Invitae Variant Classification Sherloc (09022015). Collection method: clinical testing. Allele origin: germline.
Comment: This sequence change affects an acceptor splice site in intron 168 of the TTN gene. It is expected to disrupt RNA splicing and likely results in a truncated or disrupted TTN protein. The frequency data for this variant in the population databases is considered unreliable, as metrics indicate poor data quality at this position in the gnomAD database. This variant has not been reported in the literature in individuals affected with TTN-related conditions. Algorithms developed to predict the effect of sequence changes on RNA splicing suggest that this variant may disrupt the consensus splice site. This variant is located in the I band of TTN (PMID: 25589632). Truncating variants in this region have been reported in individuals affected with autosomal recessive centronuclear myopathy (PMID: 23975875, internal data). Truncating variants in this region have also been identified in individuals affected with autosomal dominant dilated cardiomyopathy and/or cardio-related conditions (PMID: 27869827, 32964742, internal data). In summary, the currently available evidence indicates that the variant is pathogenic, but additional data are needed to prove that conclusively. Therefore, this variant has been classified as Likely Pathogenic.

Literature cited by the submitters: PubMed 25589632; PubMed 23975875; PubMed 27869827; PubMed 32964742.